The following is an entry in ClinVar:

NM_001104631.2(PDE4D):c.2080G>A (p.Ala694Thr)

Gene: PDE4D (phosphodiesterase 4D; minus strand). Cytogenetic location: 5q11.2.
Variant type: single nucleotide variant.
Coding change: c.2080G>A on transcript NM_001104631.2 (MANE Select); coding-DNA position 2080, G replaced by A.
Protein change: p.Ala694Thr; replaces alanine 694 with threonine.
Molecular consequence: missense variant.
Genome position (GRCh38, 1-based): chr5:58,975,014, C>T on the plus strand (G>A on the coding strand, the complement: PDE4D is on the minus strand). VCF-style: chr5-58975014-C-T. GRCh37 (hg19) VCF-style: chr5-58270841-C-T.
Other names: c.1897G>A, p.Ala633Thr (NM_001165899.2, NM_001364599.1); c.1888G>A, p.Ala630Thr (NM_001197218.2); c.1714G>A, p.Ala572Thr (NM_001197219.2); c.1690G>A, p.Ala564Thr (NM_001197220.2); c.1174G>A, p.Ala392Thr (NM_001197221.2, NM_001364603.1); c.1408G>A, p.Ala470Thr (NM_001197222.2); c.1207G>A, p.Ala403Thr (NM_001197223.2); c.1867G>A, p.Ala623Thr (NM_001349241.2); and 3 more; short protein forms A392T, A403T, A438T, A470T, A558T, A564T, A572T, A584T.
Identifiers: ClinVar variation 4881040 (VCV004881040.2).

ClinVar aggregate classification (germline): Uncertain significance (1 of 4 stars; one submission).

gnomAD v4.1: 2 of 1,606,008 alleles (0.00012%); highest among the groups gnomAD compares: Non-Finnish European, 0.00017%; no homozygotes.

Submission:

Dasa
Classification: Uncertain significance. Last evaluated: 2025-03-25. Review status: criteria provided, single submitter. Criteria: DASA Assertion Criteria. Collection method: clinical testing. Allele origin: germline.
Comment: NM_001104631.2(PDE4D):c.2080G>A (p.Ala694Thr) is a missense variant that results in the substitution of alanine with threonine. The affected residue or protein region has prior evidence supporting clinical relevance. This variant is rare in population databases. Computational prediction algorithms are consistent with a deleterious effect. The currently available literature and clinical evidence are not sufficient to establish a definitive association between this variant and the reported condition. Therefore, this variant is classified as a variant of uncertain significance.